The following is an entry in ClinVar:

NM_001853.4(COL9A3):c.281C>T (p.Pro94Leu)

Gene: COL9A3 (collagen type IX alpha 3 chain; plus strand). Cytogenetic location: 20q13.33.
Variant type: single nucleotide variant.
Coding change: c.281C>T on transcript NM_001853.4 (MANE Select); coding-DNA position 281, C replaced by T.
Protein change: p.Pro94Leu; replaces proline 94 with leucine.
Molecular consequence: missense variant.
Genome position (GRCh38, 1-based): chr20:62,819,954, C>T. VCF-style: chr20-62819954-C-T. GRCh37 (hg19) VCF-style: chr20-61451306-C-T.
Other names: short protein forms P94L.
Identifiers: ClinVar variation 3671687 (VCV003671687.2).
Genomic context (GRCh38, chr20:62,819,954, plus strand): 5'-GTGGCCCCTCGAGCTCGCCCTCTGCCTCTCCCCAGGGTCTGACTGGACGAGATGGACCCC[C>T]TGGACCCAAGGGTGCCCCTGGGGAACGGGTAAGTGCCTGCGCCGAACCCAGTGGCTTGGG-3'
Protein context (NP_001844.3, residues 84-104): VDGLTGRDGP[Pro94Leu]GPKGAPGERG

ClinVar aggregate classification (germline): Uncertain significance (1 of 4 stars; one submission).

Submission:

Labcorp Genetics (formerly Invitae), Labcorp
Classification: Uncertain significance. Last evaluated: 2024-05-03. Review status: criteria provided, single submitter. Criteria: Invitae Variant Classification Sherloc (09022015). Collection method: clinical testing. Allele origin: germline.
Comment: This sequence change replaces proline, which is neutral and non-polar, with leucine, which is neutral and non-polar, at codon 94 of the COL9A3 protein (p.Pro94Leu). This variant is not present in population databases (gnomAD no frequency). This variant has not been reported in the literature in individuals affected with COL9A3-related conditions. Advanced modeling of protein sequence and biophysical properties (such as structural, functional, and spatial information, amino acid conservation, physicochemical variation, residue mobility, and thermodynamic stability) performed at Invitae indicates that this missense variant is not expected to disrupt COL9A3 protein function with a negative predictive value of 95%. In summary, the available evidence is currently insufficient to determine the role of this variant in disease. Therefore, it has been classified as a Variant of Uncertain Significance.